The following is an entry in ClinVar:

ClinVar aggregate classification (germline): Uncertain significance. Review status: criteria provided, single submitter (1 of 4 stars). 2 submissions from 2 submitters: Uncertain significance (1). 1 of the submissions does not count toward it. Last evaluated 2022-05-10.

Conditions:
Medium-chain acyl-coenzyme A dehydrogenase deficiency (ACADMD). Also called: ACADM DEFICIENCY; MCADD; MCAD Deficiency; Medium chain acyl-CoA dehydrogenase deficiency; MCADH DEFICIENCY; CARNITINE DEFICIENCY SECONDARY TO MEDIUM-CHAIN ACYL-CoA DEHYDROGENASE DEFICIENCY. Identifiers: Orphanet 42, MedGen C0220710, MONDO:0008721, OMIM 201450.

Allele frequency attached by ClinVar (database versions not stated): gnomAD exomes below 0.00001 and 0.00001; gnomAD 0.00001; TOPMed 0.00002.
gnomAD v4.1: 14 of 1,607,880 alleles (0.00087%); highest among the groups gnomAD compares: Non-Finnish European, 0.0011%; no homozygotes.

Submissions (2):

Labcorp Genetics (formerly Invitae), Labcorp
Classification: Uncertain significance for Medium-chain acyl-coenzyme A dehydrogenase deficiency. Last evaluated: 2022-05-10. Review status: criteria provided, single submitter. Criteria: Invitae Variant Classification Sherloc (09022015). Collection method: clinical testing. Allele origin: germline.
Comment: This sequence change replaces isoleucine, which is neutral and non-polar, with valine, which is neutral and non-polar, at codon 406 of the ACADM protein (p.Ile406Val). This variant is present in population databases (no rsID available, gnomAD 0.0009%). This missense change has been observed in individual(s) with a positive newborn screening result for ACADM-related disease (Invitae). ClinVar contains an entry for this variant (Variation ID: 972550). Advanced modeling of protein sequence and biophysical properties (such as structural, functional, and spatial information, amino acid conservation, physicochemical variation, residue mobility, and thermodynamic stability) performed at Invitae indicates that this missense variant is expected to disrupt ACADM protein function. In summary, the available evidence is currently insufficient to determine the role of this variant in disease. Therefore, it has been classified as a Variant of Uncertain Significance.

Natera, Inc.
Classification: Uncertain significance for Medium Chain Acyl-CoA Dehydrogenase Deficiency. Last evaluated: 2018-05-24. Review status: no assertion criteria provided. Collection method: clinical testing. Allele origin: germline. Not counted in ClinVar's aggregate classification.

NM_000016.6(ACADM):c.1216A>G (p.Ile406Val)

Gene: ACADM (acyl-CoA dehydrogenase medium chain; plus strand). Cytogenetic location: 1p31.1.
Variant type: single nucleotide variant.
Coding change: c.1216A>G on transcript NM_000016.6 (MANE Select); coding-DNA position 1216, A replaced by G.
Protein change: p.Ile406Val; replaces isoleucine 406 with valine.
Molecular consequence: missense variant.
Genome position (GRCh38, 1-based): chr1:75,762,713, A>G. VCF-style: chr1-75762713-A-G. GRCh37 (hg19) VCF-style: chr1-76228398-A-G.
Other names: c.1228A>G, p.Ile410Val (NM_001127328.3); c.1108A>G, p.Ile370Val (NM_001286042.2); c.1315A>G, p.Ile439Val (NM_001286043.2); c.649A>G, p.Ile217Val (NM_001286044.2); short protein forms I406V, I439V, I217V, I370V, I410V.
Identifiers: ClinVar variation 972550 (VCV000972550.7), dbSNP rs1181589709, ClinGen allele CA340818431.